The following is an entry in ClinVar:

NM_000540.3(RYR1):c.3964G>T (p.Ala1322Ser)

Gene: RYR1 (ryanodine receptor 1; plus strand). Cytogenetic location: 19q13.2.
Variant type: single nucleotide variant.
Coding change: c.3964G>T on transcript NM_000540.3 (MANE Select); coding-DNA position 3964, G replaced by T.
Protein change: p.Ala1322Ser; replaces alanine 1322 with serine.
Molecular consequence: missense variant.
Genome position (GRCh38, 1-based): chr19:38,473,575, G>T. VCF-style: chr19-38473575-G-T. GRCh37 (hg19) VCF-style: chr19-38964215-G-T.
Other names: c.3964G>T, p.Ala1322Ser (NM_001042723.2); short protein forms A1322S.
Identifiers: ClinVar variation 2892697 (VCV002892697.4), dbSNP rs773708263, ClinGen allele CA065404.

ClinVar aggregate classification (germline): Uncertain significance. Review status: criteria provided, multiple submitters, no conflicts (2 of 4 stars). 2 submissions from 2 submitters: Uncertain significance (2). Last evaluated 2023-06-26.

Conditions:
Malignant hyperthermia, susceptibility to, 1 (MHS1). Also called: Anesthesia related hyperthermia; Malignant hyperpyrexia; Fulminating hyperpyrexia; Pharmacogenic myopathy; RYR1-Related Malignant Hyperthermia Susceptibility; Malignant hyperthermia suceptibility 1. Identifiers: Orphanet 423, MedGen C2930980, MONDO:0007783, OMIM 145600.
RYR1-related disorder. Also called: RYR1-related disorders; RYR1-related condition. Identifiers: MedGen CN239331.

Allele frequency attached by ClinVar (database versions not stated): ExAC 0.00006.
gnomAD v4.1: 12 of 1,595,082 alleles (0.00075%); highest among the groups gnomAD compares: South Asian, 0.013%; no homozygotes.

Submissions (2):

All of Us Research Program, National Institutes of Health
Classification: Uncertain significance for Malignant hyperthermia, susceptibility to, 1. Last evaluated: 2023-06-26. Review status: criteria provided, single submitter. Criteria: ACMG Guidelines, 2015. Collection method: clinical testing. Allele origin: germline. Inheritance: Autosomal dominant inheritance. Observed: 1 variant allele, 1 heterozygote.
Comment: This missense variant replaces alanine with serine at codon 1322 of the RYR1 protein. Computational prediction suggests that this variant may not impact protein structure and function (internally defined REVEL score threshold <= 0.5, PMID: 27666373). To our knowledge, functional studies have not been reported for this variant. This variant has not been reported in individuals affected with RYR1-related disorders in the literature. This variant has been identified in 4/205924 chromosomes in the general population by the Genome Aggregation Database (gnomAD). The available evidence is insufficient to determine the role of this variant in disease conclusively. Therefore, this variant is classified as a Variant of Uncertain Significance.

This study involves interpretation of variants in research participants for the purpose of population health screening. Participant phenotype was not available at the time of variant classification. Additional details can be found in publication PMID: 35346344, PMCID: PMC8962531

Labcorp Genetics (formerly Invitae), Labcorp
Classification: Uncertain significance for RYR1-related disorder. Last evaluated: 2023-02-28. Review status: criteria provided, single submitter. Criteria: Invitae Variant Classification Sherloc (09022015). Collection method: clinical testing. Allele origin: germline.
Comment: This sequence change replaces alanine, which is neutral and non-polar, with serine, which is neutral and polar, at codon 1322 of the RYR1 protein (p.Ala1322Ser). This variant is present in population databases (rs773708263, gnomAD 0.01%). This variant has not been reported in the literature in individuals affected with RYR1-related conditions. Advanced modeling of protein sequence and biophysical properties (such as structural, functional, and spatial information, amino acid conservation, physicochemical variation, residue mobility, and thermodynamic stability) performed at Invitae indicates that this missense variant is not expected to disrupt RYR1 protein function. In summary, the available evidence is currently insufficient to determine the role of this variant in disease. Therefore, it has been classified as a Variant of Uncertain Significance.